The following is an entry in ClinVar:

ClinVar aggregate classification (germline): Uncertain significance (1 of 4 stars; one submission).

Conditions:
Proteosome-associated autoinflammatory syndrome. Also called: Proteasome-associated autoinflammatory syndrome. Identifiers: Orphanet 324977, MedGen C1850568, MONDO:0009726.

Submission:

Labcorp Genetics (formerly Invitae), Labcorp
Classification: Uncertain significance for Proteosome-associated autoinflammatory syndrome. Last evaluated: 2022-12-04. Review status: criteria provided, single submitter. Criteria: Invitae Variant Classification Sherloc (09022015). Collection method: clinical testing. Allele origin: germline.
Comment: This sequence change replaces phenylalanine, which is neutral and non-polar, with valine, which is neutral and non-polar, at codon 35 of the PSMB8 protein (p.Phe35Val). In summary, the available evidence is currently insufficient to determine the role of this variant in disease. Therefore, it has been classified as a Variant of Uncertain Significance. Algorithms developed to predict the effect of missense changes on protein structure and function (SIFT, PolyPhen-2, Align-GVGD) all suggest that this variant is likely to be tolerated. This variant has not been reported in the literature in individuals affected with PSMB8-related conditions. This variant is not present in population databases (gnomAD no frequency).

NM_148919.4(PSMB8):c.103T>G (p.Phe35Val)

Gene: PSMB8 (proteasome 20S subunit beta 8; minus strand). Cytogenetic location: 6p21.32.
Variant type: single nucleotide variant.
Coding change: c.103T>G on transcript NM_148919.4 (MANE Select); coding-DNA position 103, T replaced by G.
Protein change: p.Phe35Val; replaces phenylalanine 35 with valine.
Molecular consequence: missense variant. On other transcripts: intron variant (1).
Genome position (GRCh38, 1-based): chr6:32,843,894, A>C on the plus strand (T>G on the coding strand, the complement: PSMB8 is on the minus strand). VCF-style: chr6-32843894-A-C. GRCh37 (hg19) VCF-style: chr6-32811671-A-C.
Other names: c.135+385T>G (NM_004159.5); short protein forms F35V.
Identifiers: ClinVar variation 2818533 (VCV002818533.3), dbSNP rs2483096271, ClinGen allele CA363589720.